The following is an entry in ClinVar:

ClinVar aggregate classification (germline): Likely benign. Review status: criteria provided, multiple submitters, no conflicts (2 of 4 stars). 4 submissions from 4 submitters: Likely benign (3). 1 of the submissions does not count toward it. Last evaluated 2026-01-21.

Conditions:
RYR1-related disorder. Also called: RYR1-related disorders; RYR1-related condition. Identifiers: MedGen CN239331.
Malignant hyperthermia, susceptibility to, 1 (MHS1). Also called: Anesthesia related hyperthermia; Malignant hyperpyrexia; Fulminating hyperpyrexia; Pharmacogenic myopathy; Malignant hyperthermia suceptibility 1; RYR1-Related Malignant Hyperthermia Susceptibility. Identifiers: Orphanet 423, MedGen C2930980, MONDO:0007783, OMIM 145600.

Allele frequency attached by ClinVar (database versions not stated): gnomAD exomes below 0.00001 and 0.00001; ExAC 0.00001; gnomAD 0.00004 and 0.00005; TOPMed 0.00005; ESP Exome Variant Server 0.00008.
gnomAD v4.1: 12 of 1,614,036 alleles (0.00074%); highest among the groups gnomAD compares: African/African-American, 0.012%; no homozygotes.

Submissions (4):

Labcorp Genetics (formerly Invitae), Labcorp
Classification: Likely benign for RYR1-related disorder. Last evaluated: 2026-01-21. Review status: criteria provided, single submitter. Criteria: Invitae Variant Classification Sherloc (09022015). Collection method: clinical testing. Allele origin: germline.

All of Us Research Program, National Institutes of Health
Classification: Likely benign for Malignant hyperthermia, susceptibility to, 1. Last evaluated: 2023-08-15. Review status: criteria provided, single submitter. Criteria: ACMG Guidelines, 2015. Collection method: clinical testing. Allele origin: germline. Inheritance: Autosomal dominant inheritance. Observed: 2 variant alleles, 2 heterozygotes.
Comment: This study involves interpretation of variants in research participants for the purpose of population health screening. Participant phenotype was not available at the time of variant classification. Additional details can be found in publication PMID: 35346344, PMCID: PMC8962531

Color Diagnostics, LLC DBA Color Health
Classification: Likely benign for Malignant hyperthermia, susceptibility to, 1. Last evaluated: 2022-11-06. Review status: criteria provided, single submitter. Criteria: ACMG Guidelines, 2015. Collection method: clinical testing. Allele origin: germline.

PreventionGenetics, part of Exact Sciences
Classification: Likely benign for RYR1-related condition. Last evaluated: 2022-09-28. Review status: no assertion criteria provided. Collection method: clinical testing. Allele origin: germline. Not counted in ClinVar's aggregate classification.
Comment: This variant is classified as likely benign based on ACMG/AMP sequence variant interpretation guidelines (Richards et al. 2015 PMID: 25741868, with internal and published modifications).

NM_000540.3(RYR1):c.6201G>A (p.Leu2067=)

Gene: RYR1 (ryanodine receptor 1; plus strand). Cytogenetic location: 19q13.2.
Variant type: single nucleotide variant.
Coding change: c.6201G>A on transcript NM_000540.3 (MANE Select); coding-DNA position 6201, G replaced by A.
Protein change: p.Leu2067=; no amino-acid change (leucine 2067 retained).
Molecular consequence: synonymous variant.
Genome position (GRCh38, 1-based): chr19:38,492,563, G>A. VCF-style: chr19-38492563-G-A. GRCh37 (hg19) VCF-style: chr19-38983203-G-A.
Other names: c.6201G>A (NM_000540.2); c.6201G>A, p.Leu2067= (NM_001042723.2).
Identifiers: ClinVar variation 1654759 (VCV001654759.11), dbSNP rs149243437, ClinGen allele CA067891.